The following is an entry in ClinVar:

ClinVar aggregate classification (germline): Likely pathogenic (1 of 4 stars; one submission).

Conditions:
MPI-congenital disorder of glycosylation. Also called: CONGENITAL DISORDER OF GLYCOSYLATION, TYPE Ib; CDG Ib; MANNOSEPHOSPHATE ISOMERASE DEFICIENCY; PROTEIN-LOSING ENTEROPATHY-HEPATIC FIBROSIS SYNDROME; MPI-CDG; MPI DEFICIENCY. Identifiers: Orphanet 79319, MedGen C1865145, MONDO:0011257, OMIM 602579.

Submission:

Natera, Inc.
Classification: Likely pathogenic for Congenital disorder of glycosylation type 1b. Last evaluated: 2026-01-22. Review status: criteria provided, single submitter. Criteria: Natera Variant Classification Schema (03/2026). Collection method: clinical testing. Allele origin: germline.
Comment: The c.149G>A variant in MPI is a nonsense variant predicted to introduce a stop codon at amino acid 50. This variant is expected to result in nonsense mediated decay, truncation, or a dysfunctional protein product. This variant is rare in the general population with a frequency below the threshold expected for the associated phenotype(s). Given the available evidence, this variant is classified as Likely Pathogenic.

NM_002435.3(MPI):c.149G>A (p.Trp50Ter)

Gene: MPI (mannose phosphate isomerase; plus strand). Cytogenetic location: 15q24.1.
Variant type: single nucleotide variant.
Coding change: c.149G>A on transcript NM_002435.3 (MANE Select); coding-DNA position 149, G replaced by A.
Protein change: p.Trp50Ter; replaces tryptophan 50 with a stop codon.
Molecular consequence: nonsense. On other transcripts: 5 prime UTR variant (1).
Genome position (GRCh38, 1-based): chr15:74,891,383, G>A. VCF-style: chr15-74891383-G-A. GRCh37 (hg19) VCF-style: chr15-75183724-G-A.
Other names: c.149G>A, p.Trp50Ter (NM_001289155.2, NM_001289157.2); c.-2G>A (NM_001289156.2); c.89G>A, p.Trp30Ter (NM_001330372.2); short protein forms W30*, W50*.
Identifiers: ClinVar variation 4815035 (VCV004815035.1).
Genomic context (GRCh38, chr15:74,891,383, plus strand): 5'-AACTCAGGGTGGCAGGTTTCTTCCCCCTTCCCCTCCCAAGTTTCCTGTCTTTCCAGTTGT[G>A]GATGGGGACTCACCCCCGAGGGGATGCCAAGATCCTTGACAACCGCATCTCACAGAAGAC-3'